The following is an entry in ClinVar:

ClinVar aggregate classification (germline): Likely benign (1 of 4 stars; one submission).

Allele frequency attached by ClinVar (database versions not stated): 1000 Genomes Project 30x 0.00484; 1000 Genomes Project 0.00499; TOPMed 0.00533; gnomAD 0.00571; ESP Exome Variant Server 0.00630.
gnomAD v4.1: 11,707 of 1,605,852 alleles (0.73%); highest among the groups gnomAD compares: Middle Eastern, 0.96%; 56 homozygotes.

Submission:

CeGaT Center for Human Genetics Tuebingen
Classification: Likely benign. Last evaluated: 2023-04-01. Review status: criteria provided, single submitter. Criteria: CeGaT Center For Human Genetics Tuebingen Variant Classification Criteria Version 2. Collection method: clinical testing. Allele origin: germline. Affected: yes. Observed: 1 variant allele.
Comment: EIF4G3: BP4, BP7, BS2

NM_001391906.1(EIF4G3):c.4902A>G (p.Ala1634=)

Gene: EIF4G3 (eukaryotic translation initiation factor 4 gamma 3; minus strand). Cytogenetic location: 1p36.12.
Variant type: single nucleotide variant.
Coding change: c.4902A>G on transcript NM_001391906.1 (MANE Select); coding-DNA position 4902, A replaced by G.
Protein change: p.Ala1634=; no amino-acid change (alanine 1634 retained).
Molecular consequence: synonymous variant.
Genome position (GRCh38, 1-based): chr1:20,807,343, T>C on the plus strand (A>G on the coding strand, the complement: EIF4G3 is on the minus strand). VCF-style: chr1-20807343-T-C. GRCh37 (hg19) VCF-style: chr1-21133836-T-C.
Other names: c.4992A>G, p.Ala1664= (NM_001391907.1); c.4734A>G, p.Ala1578= (NM_003760.4, NM_001391892.1, NM_001391893.1 and 1 more transcripts); c.4842A>G, p.Ala1614= (NM_001198801.3); c.4752A>G, p.Ala1584= (NM_001198802.3); c.4584A>G, p.Ala1528= (NM_001391896.1); c.4587A>G, p.Ala1529= (NM_001391897.1); c.4620A>G, p.Ala1540= (NM_001391898.1); c.4731A>G, p.Ala1577= (NM_001391899.1, NM_001391900.1); and 3 more.
Identifiers: ClinVar variation 2638442 (VCV002638442.24), dbSNP rs146669269, ClinGen allele CA663506.